The following is an entry in ClinVar:

ClinVar aggregate classification (germline): Uncertain significance. Review status: criteria provided, multiple submitters, no conflicts (2 of 4 stars). 2 submissions from 2 submitters: Uncertain significance (2). Last evaluated 2025-04-10.

Conditions:
Hereditary cancer-predisposing syndrome. Also called: Neoplastic Syndromes, Hereditary; Tumor predisposition; Hereditary Cancer Syndrome; Hereditary neoplastic syndrome. Identifiers: Orphanet 140162, MedGen C0027672, MeSH D009386, MONDO:0015356.
Ataxia-telangiectasia syndrome (AT). Also called: LOUIS-BAR SYNDROME; Cerebello-oculocutaneous telangiectasia; Immunodeficiency with ataxia telangiectasia; Ataxia telangiectasia (A-T); Ataxia-telangiectasia, complementation group D; AT, COMPLEMENTATION GROUP C. Identifiers: Orphanet 100, MedGen C0004135, MONDO:0008840, OMIM 208900.

Submissions (2):

Ambry Genetics
Classification: Uncertain significance for Hereditary cancer-predisposing syndrome. Last evaluated: 2025-04-10. Review status: criteria provided, single submitter. Criteria: Ambry Variant Classification Scheme 2023. Collection method: clinical testing. Allele origin: germline.
Comment: The p.R2612S variant (also known as c.7836G>C), located in coding exon 52 of the ATM gene, results from a G to C substitution at nucleotide position 7836. The arginine at codon 2612 is replaced by serine, an amino acid with dissimilar properties. This amino acid position is conserved. In addition, this alteration is predicted to be tolerated by in silico analysis. Based on the available evidence, the clinical significance of this variant remains unclear.

Labcorp Genetics (formerly Invitae), Labcorp
Classification: Uncertain significance for Ataxia-telangiectasia syndrome. Last evaluated: 2023-02-03. Review status: criteria provided, single submitter. Criteria: Invitae Variant Classification Sherloc (09022015). Collection method: clinical testing. Allele origin: germline.
Comment: This sequence change replaces arginine, which is basic and polar, with serine, which is neutral and polar, at codon 2612 of the ATM protein (p.Arg2612Ser). This variant is not present in population databases (gnomAD no frequency). This variant has not been reported in the literature in individuals affected with ATM-related conditions. ClinVar contains an entry for this variant (Variation ID: 1469702). Algorithms developed to predict the effect of missense changes on protein structure and function (SIFT, PolyPhen-2, Align-GVGD) all suggest that this variant is likely to be tolerated. In summary, the available evidence is currently insufficient to determine the role of this variant in disease. Therefore, it has been classified as a Variant of Uncertain Significance.

NM_000051.4(ATM):c.7836G>C (p.Arg2612Ser)

Genes: C11orf65 (chromosome 11 open reading frame 65; minus strand), ATM (ATM serine/threonine kinase; plus strand). Cytogenetic location: 11q22.3.
Variant type: single nucleotide variant.
Coding change: c.7836G>C on transcript NM_000051.4 (MANE Select); coding-DNA position 7836, G replaced by C.
Protein change: p.Arg2612Ser; replaces arginine 2612 with serine.
Molecular consequence: missense variant. On other transcripts: intron variant (2).
Genome position (GRCh38, 1-based): chr11:108,332,809, G>C. VCF-style: chr11-108332809-G-C. GRCh37 (hg19) VCF-style: chr11-108203536-G-C.
Other names: c.7836G>C, p.Arg2612Ser (NM_001351834.2); c.641-23738C>G (NM_001330368.2); c.*38+2411C>G (NM_001351110.2); short protein forms R2612S.
Identifiers: ClinVar variation 1469702 (VCV001469702.10), dbSNP rs761324887, ClinGen allele CA382561337.